The following is an entry in ClinVar:

ClinVar aggregate classification (germline): Uncertain significance (1 of 4 stars; one submission).

Conditions:
Catecholaminergic polymorphic ventricular tachycardia (CVPT). Also called: Catecholamine-induced polymorphic ventricular tachycardia. Identifiers: Orphanet 3286, MedGen C5574922, MONDO:0017990.

Submission:

Lildballe Lab, Aarhus University Hospital
Classification: Uncertain significance for catecholaminergic polymorphic ventricular tachycardia. Last evaluated: 2024-03-01. Review status: criteria provided, single submitter. Criteria: ACMG Guidelines, 2015. Collection method: research. Allele origin: germline. Affected: yes.
Comment: PM1(m) PP2(sup) PM2(sup) PM5(m) PP3(sup)

Literature cited by the submitters: PubMed 25741908; PubMed 39481677.

NM_001035.3(RYR2):c.6899A>C (p.Asp2300Ala)

Gene: RYR2 (ryanodine receptor 2; plus strand). Cytogenetic location: 1q43.
Variant type: single nucleotide variant.
Coding change: c.6899A>C on transcript NM_001035.3 (MANE Select); coding-DNA position 6899, A replaced by C.
Protein change: p.Asp2300Ala; replaces aspartic acid 2300 with alanine.
Molecular consequence: missense variant.
Genome position (GRCh38, 1-based): chr1:237,638,463, A>C. VCF-style: chr1-237638463-A-C. GRCh37 (hg19) VCF-style: chr1-237801763-A-C.
Other names: short protein forms D2300A.
Identifiers: ClinVar variation 3338337 (VCV003338337.1).